The following is an entry in ClinVar:

ClinVar aggregate classification (germline): Uncertain significance. Review status: criteria provided, multiple submitters, no conflicts (2 of 4 stars). 2 submissions from 2 submitters: Uncertain significance (2). Last evaluated 2025-12-02.

Conditions:
Cohen syndrome (COH1). Also called: Cutis verticis gyrata, retinitis pigmentosa, and sensorineural deafness; PEPPER SYNDROME. Identifiers: Orphanet 193, MedGen C0265223, MONDO:0008999, OMIM 216550.
VPS13B-related disorder. Also called: VPS13B-related condition.

Allele frequency attached by ClinVar (database versions not stated): gnomAD 0.00001; gnomAD exomes 0.00001; TOPMed 0.00001; ESP Exome Variant Server 0.00008.
gnomAD v4.1: 19 of 1,614,008 alleles (0.0012%); highest among the groups gnomAD compares: Non-Finnish European, 0.0015%; no homozygotes.

Submissions (2):

PreventionGenetics, part of Exact Sciences
Classification: Uncertain significance for VPS13B-related condition. Last evaluated: 2025-12-02. Review status: criteria provided, single submitter. Criteria: ACMG Guidelines, 2015. Collection method: clinical testing. Allele origin: germline.
Comment: The VPS13B c.3023A>G variant is predicted to result in the amino acid substitution p.Gln1008Arg. To our knowledge, this variant has not been reported in the literature or in a large population database (gnomAD), indicating this variant is rare. At this time, the clinical significance of this variant is uncertain due to the absence of conclusive functional and genetic evidence.

Labcorp Genetics (formerly Invitae), Labcorp
Classification: Uncertain significance for Cohen syndrome. Last evaluated: 2022-04-21. Review status: criteria provided, single submitter. Criteria: Invitae Variant Classification Sherloc (09022015). Collection method: clinical testing. Allele origin: germline.
Comment: This sequence change replaces glutamine, which is neutral and polar, with arginine, which is basic and polar, at codon 1008 of the VPS13B protein (p.Gln1008Arg). This variant is present in population databases (rs369745645, gnomAD 0.007%). This variant has not been reported in the literature in individuals affected with VPS13B-related conditions. Algorithms developed to predict the effect of missense changes on protein structure and function are either unavailable or do not agree on the potential impact of this missense change (SIFT: "Not Available"; PolyPhen-2: "Possibly Damaging"; Align-GVGD: "Not Available"). In summary, the available evidence is currently insufficient to determine the role of this variant in disease. Therefore, it has been classified as a Variant of Uncertain Significance.

NM_152564.5(VPS13B):c.3023A>G (p.Gln1008Arg)

Gene: VPS13B (vacuolar protein sorting 13 homolog B; plus strand). Cytogenetic location: 8q22.2.
Variant type: single nucleotide variant.
Coding change: c.3023A>G on transcript NM_152564.5 (MANE Select); coding-DNA position 3023, A replaced by G.
Protein change: p.Gln1008Arg; replaces glutamine 1008 with arginine.
Molecular consequence: missense variant.
Genome position (GRCh38, 1-based): chr8:99,391,645, A>G. VCF-style: chr8-99391645-A-G. GRCh37 (hg19) VCF-style: chr8-100403873-A-G.
Other names: c.3023A>G, p.Gln1008Arg (NM_017890.5); short protein forms Q1008R.
Identifiers: ClinVar variation 2065787 (VCV002065787.3), dbSNP rs369745645, ClinGen allele CA182957441.
Genomic context (GRCh38, chr8:99,391,645, plus strand): 5'-TGCCAGTTTGTAGAAGGAAAGAGGATGAGGTGTCTATTGGAAGTGCCCCCTTGGCAAAGC[A>G]GCAATCATATCAGGCCTCTGAATATGCCAGCAGCCCTGTAAAAACAAAAACGGTAACAGG-3'
Protein context (NP_689777.3, residues 998-1018): VSIGSAPLAK[Gln1008Arg]QSYQASEYAS